The following is an entry in ClinVar:

NM_005051.3(QARS1):c.1526+13G>C

Gene: QARS1 (glutaminyl-tRNA synthetase 1; minus strand). Cytogenetic location: 3p21.31.
Variant type: single nucleotide variant.
Coding change: c.1526+13G>C on transcript NM_005051.3 (MANE Select); 13 bases into the intron after coding-DNA position 1526, G replaced by C.
Molecular consequence: intron variant.
Genome position (GRCh38, 1-based): chr3:49,099,497, C>G on the plus strand (G>C on the coding strand, the complement: QARS1 is on the minus strand). VCF-style: chr3-49099497-C-G. GRCh37 (hg19) VCF-style: chr3-49136930-C-G.
Other names: c.1493+13G>C (NM_001272073.2).
Identifiers: ClinVar variation 513423 (VCV000513423.1), dbSNP rs775939776, ClinGen allele CA658796312.
Genomic context (GRCh38, chr3:49,099,497, plus strand): 5'-GATAAGAAGGTGGTGAGAAGGCCTTTGGGAGCATATGCCATTAACCTTTCATAAGCCAAA[C>G]AGCCGCACCTACCGCACAGCACCAGTTGCTACAAGCTGGAGGATCTTCCTCTTAGAGACA-3'

ClinVar aggregate classification (germline): Likely benign (1 of 4 stars; one submission).

Submission:

GeneDx
Classification: Likely benign. Last evaluated: 2017-11-21. Review status: criteria provided, single submitter. Criteria: GeneDx Variant Classification (06012015). Collection method: clinical testing. Allele origin: germline. Affected: yes.
Comment: This variant is considered likely benign or benign based on one or more of the following criteria: it is a conservative change, it occurs at a poorly conserved position in the protein, it is predicted to be benign by multiple in silico algorithms, and/or has population frequency not consistent with disease.